The following is an entry in ClinVar:

NM_177402.5(SYT2):c.346G>T (p.Asp116Tyr)

Gene: SYT2 (synaptotagmin 2; minus strand). Cytogenetic location: 1q32.1.
Variant type: single nucleotide variant.
Coding change: c.346G>T on transcript NM_177402.5 (MANE Select); coding-DNA position 346, G replaced by T.
Protein change: p.Asp116Tyr; replaces aspartic acid 116 with tyrosine.
Molecular consequence: missense variant.
Genome position (GRCh38, 1-based): chr1:202,603,118, C>A on the plus strand (G>T on the coding strand, the complement: SYT2 is on the minus strand). VCF-style: chr1-202603118-C-A. GRCh37 (hg19) VCF-style: chr1-202572246-C-A.
Other names: c.346G>T, p.Asp116Tyr (NM_001136504.1); short protein forms D116Y.
Identifiers: ClinVar variation 2026577 (VCV002026577.4), dbSNP rs1377106574, ClinGen allele CA344259000.

ClinVar aggregate classification (germline): Uncertain significance (1 of 4 stars; one submission).

Submission:

Labcorp Genetics (formerly Invitae), Labcorp
Classification: Uncertain significance. Last evaluated: 2022-08-23. Review status: criteria provided, single submitter. Criteria: Invitae Variant Classification Sherloc (09022015). Collection method: clinical testing. Allele origin: germline.
Comment: In summary, the available evidence is currently insufficient to determine the role of this variant in disease. Therefore, it has been classified as a Variant of Uncertain Significance. Algorithms developed to predict the effect of missense changes on protein structure and function are either unavailable or do not agree on the potential impact of this missense change (SIFT: "Deleterious"; PolyPhen-2: "Possibly Damaging"; Align-GVGD: "Class C0"). This variant has not been reported in the literature in individuals affected with SYT2-related conditions. This variant is not present in population databases (gnomAD no frequency). This sequence change replaces aspartic acid, which is acidic and polar, with tyrosine, which is neutral and polar, at codon 116 of the SYT2 protein (p.Asp116Tyr).